The following is an entry in ClinVar:

ClinVar aggregate classification (germline): Pathogenic. Review status: criteria provided, multiple submitters, no conflicts (2 of 4 stars). 3 submissions from 3 submitters: Pathogenic (3). Last evaluated 2024-06-06.

Conditions:
SDHB-related disorder. Also called: SDHB-related condition; SDHB-related disorders. Identifiers: MedGen CN239418.
Gastrointestinal stromal tumor. Also called: Gastrointestinal stroma tumor; Gastrointestinal stromal tumor, somatic. Identifiers: Orphanet 44890, MedGen C0238198, MeSH D046152, MONDO:0011719, OMIM 606764, HP:0100723.
Pheochromocytoma. Also called: MAX-Related Hereditary Paraganglioma-Pheochromocytoma Syndrome. Identifiers: Orphanet 29072, MedGen C0031511, MONDO:0008233, OMIM 171300, HP:0002666.
Pheochromocytoma/paraganglioma syndrome 4. Also called: PARAGANGLIOMA, FAMILIAL MALIGNANT; PARAGANGLIOMAS, HEREDITARY EXTRAADRENAL; PHEOCHROMOCYTOMA, FAMILIAL EXTRAADRENAL; CAROTID BODY TUMORS AND MULTIPLE EXTRAADRENAL PHEOCHROMOCYTOMAS; SDHB-Related Hereditary Paraganglioma-Pheochromocytoma Syndrome; Paragangliomas 4. Identifiers: Orphanet 29072, MedGen C1861848, MONDO:0007273, OMIM 115310.
Hereditary cancer-predisposing syndrome. Also called: Neoplastic Syndromes, Hereditary; Tumor predisposition; Hereditary Cancer Syndrome; Hereditary neoplastic syndrome. Identifiers: Orphanet 140162, MedGen C0027672, MeSH D009386, MONDO:0015356.

Submissions (3):

Ambry Genetics
Classification: Pathogenic for Hereditary cancer-predisposing syndrome. Last evaluated: 2024-06-06. Review status: criteria provided, single submitter. Criteria: Ambry Variant Classification Scheme 2023. Collection method: clinical testing. Allele origin: germline.
Comment: The p.W201* pathogenic mutation (also known as c.602G>A), located in coding exon 6 of the SDHB gene, results from a G to A substitution at nucleotide position 602. This changes the amino acid from a tryptophan to a stop codon within coding exon 6. This variant is considered to be rare based on population cohorts in the Genome Aggregation Database (gnomAD). This alteration is expected to result in loss of function by premature protein truncation or nonsense-mediated mRNA decay. As such, this alteration is interpreted as a disease-causing mutation.

Labcorp Genetics (formerly Invitae), Labcorp
Classification: Pathogenic for Gastrointestinal stromal tumor; Pheochromocytoma/paraganglioma syndrome 4; Pheochromocytoma. Last evaluated: 2023-09-01. Review status: criteria provided, single submitter. Criteria: Invitae Variant Classification Sherloc (09022015). Collection method: clinical testing. Allele origin: germline.
Comment: For these reasons, this variant has been classified as Pathogenic. ClinVar contains an entry for this variant (Variation ID: 412470). This variant has not been reported in the literature in individuals affected with SDHB-related conditions. This variant is not present in population databases (gnomAD no frequency). This sequence change creates a premature translational stop signal (p.Trp201*) in the SDHB gene. It is expected to result in an absent or disrupted protein product. Loss-of-function variants in SDHB are known to be pathogenic (PMID: 19454582, 19802898).

Blueprint Genetics
Classification: Pathogenic for SDHB-related disorders. Last evaluated: 2023-08-11. Review status: criteria provided, single submitter. Criteria: ACMG Guidelines, 2015. Collection method: clinical testing. Allele origin: germline. Affected: yes. Observed: 1 variant allele.

Literature cited by the submitters: PubMed 28650885 (cited by Ambry Genetics); PubMed 19454582 (cited by Labcorp Genetics (formerly Invitae), Labcorp); PubMed 19802898 (cited by Labcorp Genetics (formerly Invitae), Labcorp).

NM_003000.3(SDHB):c.602G>A (p.Trp201Ter)

Gene: SDHB (succinate dehydrogenase complex iron sulfur subunit B; minus strand). Cytogenetic location: 1p36.13.
Variant type: single nucleotide variant.
Coding change: c.602G>A on transcript NM_003000.3 (MANE Select); coding-DNA position 602, G replaced by A.
Protein change: p.Trp201Ter; replaces tryptophan 201 with a stop codon.
Molecular consequence: nonsense.
Genome position (GRCh38, 1-based): chr1:17,024,013, C>T on the plus strand (G>A on the coding strand, the complement: SDHB is on the minus strand). VCF-style: chr1-17024013-C-T. GRCh37 (hg19) VCF-style: chr1-17350508-C-T.
Other names: short protein forms W201*.
Identifiers: ClinVar variation 412470 (VCV000412470.7), dbSNP rs1060503759, ClinGen allele CA16609931.